The following is an entry in ClinVar:

ClinVar aggregate classification (germline): Uncertain significance (1 of 4 stars; one submission).

Submission:

GeneDx
Classification: Uncertain significance. Last evaluated: 2022-08-30. Review status: criteria provided, single submitter. Criteria: GeneDx Variant Classification Process June 2021. Collection method: clinical testing. Allele origin: germline. Affected: yes.
Comment: Not observed at significant frequency in large population cohorts (gnomAD); In silico analysis supports that this missense variant has a deleterious effect on protein structure/function; Has not been previously published as pathogenic or benign to our knowledge

NM_001130438.3(SPTAN1):c.4165G>A (p.Asp1389Asn)

Gene: SPTAN1 (spectrin alpha, non-erythrocytic 1; plus strand). Cytogenetic location: 9q34.11.
Variant type: single nucleotide variant.
Coding change: c.4165G>A on transcript NM_001130438.3 (MANE Select); coding-DNA position 4165, G replaced by A.
Protein change: p.Asp1389Asn; replaces aspartic acid 1389 with asparagine.
Molecular consequence: missense variant.
Genome position (GRCh38, 1-based): chr9:128,607,870, G>A. VCF-style: chr9-128607870-G-A. GRCh37 (hg19) VCF-style: chr9-131370149-G-A.
Other names: c.4105G>A, p.Asp1369Asn (NM_001195532.2, NM_001363765.2, NM_001375314.2); c.4165G>A, p.Asp1389Asn (NM_001363759.2, NM_001375310.1, NM_001375311.2 and 2 more transcripts); c.4201G>A, p.Asp1401Asn (NM_001375312.2, NM_001375318.1); short protein forms D1369N, D1389N, D1401N.
Identifiers: ClinVar variation 2442521 (VCV002442521.1), dbSNP rs2541748805, ClinGen allele CA375066172.
Genomic context (GRCh38, chr9:128,607,870, plus strand): 5'-CATCTGCTGCCAGTTACCTAATCCCTTCCCTCCTTTTGGCAGGAACACCGGACAGAAATC[G>A]ATGCCAGGGCTGGCACTTTCCAGGCATTTGAGCAGTTTGGACAGCAGCTGTTGGCTCACG-3'
Protein context (NP_001123910.1, residues 1379-1399): ERHQEHRTEI[Asp1389Asn]ARAGTFQAFE